The following is an entry in ClinVar:

NM_004260.4(RECQL4):c.1304C>T (p.Pro435Leu)

Gene: RECQL4 (RecQ like helicase 4; minus strand). Cytogenetic location: 8q24.3.
Variant type: single nucleotide variant.
Coding change: c.1304C>T on transcript NM_004260.4 (MANE Select); coding-DNA position 1304, C replaced by T.
Protein change: p.Pro435Leu; replaces proline 435 with leucine.
Molecular consequence: missense variant.
Genome position (GRCh38, 1-based): chr8:144,515,412, G>A on the plus strand (C>T on the coding strand, the complement: RECQL4 is on the minus strand). VCF-style: chr8-144515412-G-A. GRCh37 (hg19) VCF-style: chr8-145740796-G-A.
Other names: short protein forms P435L.
Identifiers: ClinVar variation 1490954 (VCV001490954.6), dbSNP rs2130708528, ClinGen allele CA372685795.

ClinVar aggregate classification (germline): Uncertain significance (1 of 4 stars; one submission).

Conditions:
Baller-Gerold syndrome (BGS). Also called: CRANIOSYNOSTOSIS WITH RADIAL DEFECTS. Identifiers: Orphanet 1225, MedGen C0265308, MONDO:0009039, OMIM 218600.

Allele frequency attached by ClinVar (database versions not stated): gnomAD exomes below 0.00001.
gnomAD v4.1: 2 of 1,612,838 alleles (0.00012%); highest among the groups gnomAD compares: Non-Finnish European, 0.00017%; no homozygotes.

Submission:

Labcorp Genetics (formerly Invitae), Labcorp
Classification: Uncertain significance for Baller-Gerold syndrome. Last evaluated: 2023-12-22. Review status: criteria provided, single submitter. Criteria: Invitae Variant Classification Sherloc (09022015). Collection method: clinical testing. Allele origin: germline.
Comment: This sequence change replaces proline, which is neutral and non-polar, with leucine, which is neutral and non-polar, at codon 435 of the RECQL4 protein (p.Pro435Leu). This variant is not present in population databases (gnomAD no frequency). This variant has not been reported in the literature in individuals affected with RECQL4-related conditions. ClinVar contains an entry for this variant (Variation ID: 1490954). Advanced modeling of protein sequence and biophysical properties (such as structural, functional, and spatial information, amino acid conservation, physicochemical variation, residue mobility, and thermodynamic stability) performed at Invitae indicates that this missense variant is not expected to disrupt RECQL4 protein function with a negative predictive value of 80%. In summary, the available evidence is currently insufficient to determine the role of this variant in disease. Therefore, it has been classified as a Variant of Uncertain Significance.